The following is an entry in ClinVar:

ClinVar aggregate classification (germline): Uncertain significance (1 of 4 stars; one submission).

Conditions:
Alstrom syndrome (ALMS). Identifiers: Orphanet 64, MedGen C0268425, MONDO:0008763, OMIM 203800.

Allele frequency attached by ClinVar (database versions not stated): TOPMed below 0.00001; gnomAD 0.00001.
gnomAD v4.1: 1 of 1,613,928 alleles (0.000062%); highest among the groups gnomAD compares: Non-Finnish European, 0.000085%; no homozygotes.

Submission:

Labcorp Genetics (formerly Invitae), Labcorp
Classification: Uncertain significance for Alstrom syndrome. Last evaluated: 2022-05-27. Review status: criteria provided, single submitter. Criteria: Invitae Variant Classification Sherloc (09022015). Collection method: clinical testing. Allele origin: germline.
Comment: This sequence change replaces proline, which is neutral and non-polar, with leucine, which is neutral and non-polar, at codon 1557 of the ALMS1 protein (p.Pro1557Leu). In summary, the available evidence is currently insufficient to determine the role of this variant in disease. Therefore, it has been classified as a Variant of Uncertain Significance. Experimental studies and prediction algorithms are not available or were not evaluated, and the functional significance of this variant is currently unknown. This variant has not been reported in the literature in individuals affected with ALMS1-related conditions. This variant is not present in population databases (gnomAD no frequency).

NM_001378454.1(ALMS1):c.4667C>T (p.Pro1556Leu)

Gene: ALMS1 (ALMS1 centrosome and basal body associated protein; plus strand). Cytogenetic location: 2p13.1.
Variant type: single nucleotide variant.
Coding change: c.4667C>T on transcript NM_001378454.1 (MANE Select); coding-DNA position 4667, C replaced by T.
Protein change: p.Pro1556Leu; replaces proline 1556 with leucine.
Molecular consequence: missense variant.
Genome position (GRCh38, 1-based): chr2:73,451,194, C>T. VCF-style: chr2-73451194-C-T. GRCh37 (hg19) VCF-style: chr2-73678321-C-T.
Other names: c.4670C>T, p.Pro1557Leu (NM_015120.4); short protein forms P1556L, P1557L.
Identifiers: ClinVar variation 1999287 (VCV001999287.2), dbSNP rs1292204961, ClinGen allele CA347279015.